The following is an entry in ClinVar:

NM_001887.4(CRYBB1):c.605G>T (p.Arg202Leu)

Genes: CRYBA4 (crystallin beta A4; plus strand), CRYBB1 (crystallin beta B1; minus strand). Cytogenetic location: 22q12.1.
Variant type: single nucleotide variant.
Coding change: c.605G>T on transcript NM_001887.4 (MANE Select); coding-DNA position 605, G replaced by T.
Protein change: p.Arg202Leu; replaces arginine 202 with leucine.
Molecular consequence: missense variant.
Genome position (GRCh38, 1-based): chr22:26,599,644, C>A on the plus strand (G>T on the coding strand, the complement: CRYBB1 is on the minus strand). VCF-style: chr22-26599644-C-A. GRCh37 (hg19) VCF-style: chr22-26995608-C-A.
Other names: short protein forms R202L.
Identifiers: ClinVar variation 4989875 (VCV004989875.1).

ClinVar aggregate classification (germline): Uncertain significance (1 of 4 stars; one submission).

Conditions:
CRYBB1-related disorder. Also called: CRYBB1-related condition.

gnomAD v4.1: 8 of 1,614,012 alleles (0.0005%); highest among the groups gnomAD compares: African/African-American, 0.0093%; no homozygotes.

Submission:

PreventionGenetics, part of Exact Sciences
Classification: Uncertain significance for CRYBB1-related condition. Last evaluated: 2026-07-09. Review status: criteria provided, single submitter. Criteria: ACMG Guidelines, 2015. Collection method: clinical testing. Allele origin: germline.
Comment: The CRYBB1 c.605G>T variant is predicted to result in the amino acid substitution p.Arg202Leu. To our knowledge, this variant has not been reported in the literature. This variant is present in 0.016% of alleles in individuals of African descent in gnomAD. At this time, the clinical significance of this variant is uncertain due to the absence of conclusive functional and genetic evidence.